The following is an entry in ClinVar:

ClinVar aggregate classification (germline): Uncertain significance. Review status: criteria provided, multiple submitters, no conflicts (2 of 4 stars). 2 submissions from 2 submitters: Uncertain significance (2). Last evaluated 2025-10-27.

Conditions:
Cardiovascular phenotype. Identifiers: MedGen CN230736.
Desmin-related myofibrillar myopathy (MFM1). Also called: Desmin related myopathy (former name); Desmin storage myopathy (former name); MYOFIBRILLAR MYOPATHY WITH ARRHYTHMOGENIC RIGHT VENTRICULAR CARDIOMYOPATHY; DESMIN-RELATED MYOPATHY WITH ARRHYTHMOGENIC RIGHT VENTRICULAR CARDIOMYOPATHY; Desminopathy; Myofibrillar myopathy 1. Identifiers: Orphanet 363543, Orphanet 98909, MedGen C1832370, MONDO:0011076, OMIM 601419.

Allele frequency attached by ClinVar (database versions not stated): gnomAD exomes 0.00001; ExAC 0.00002.
gnomAD v4.1: 4 of 1,614,082 alleles (0.00025%); highest among the groups gnomAD compares: East Asian, 0.0067%; no homozygotes.

Submissions (2):

Ambry Genetics
Classification: Uncertain significance for Cardiovascular phenotype. Last evaluated: 2025-10-27. Review status: criteria provided, single submitter. Criteria: Ambry Variant Classification Scheme 2023. Collection method: clinical testing. Allele origin: germline.
Comment: The p.I198T variant (also known as c.593T>C), located in coding exon 2 of the DES gene, results from a T to C substitution at nucleotide position 593. The isoleucine at codon 198 is replaced by threonine, an amino acid with similar properties. This amino acid position is conserved. In addition, the in silico prediction for this alteration is inconclusive. Since supporting evidence is limited at this time, the clinical significance of this alteration remains unclear.

Labcorp Genetics (formerly Invitae), Labcorp
Classification: Uncertain significance for Desmin-related myofibrillar myopathy. Last evaluated: 2021-10-03. Review status: criteria provided, single submitter. Criteria: Invitae Variant Classification Sherloc (09022015). Collection method: clinical testing. Allele origin: germline.
Comment: In summary, the available evidence is currently insufficient to determine the role of this variant in disease. Therefore, it has been classified as a Variant of Uncertain Significance. Algorithms developed to predict the effect of missense changes on protein structure and function are either unavailable or do not agree on the potential impact of this missense change (SIFT: "Deleterious"; PolyPhen-2: "Benign"; Align-GVGD: "Class C0"). This variant has not been reported in the literature in individuals affected with DES-related conditions. This variant is present in population databases (rs773271116, ExAC 0.03%). This sequence change replaces isoleucine with threonine at codon 198 of the DES protein (p.Ile198Thr). The isoleucine residue is highly conserved and there is a moderate physicochemical difference between isoleucine and threonine.

NM_001927.4(DES):c.593T>C (p.Ile198Thr)

Gene: DES (desmin; plus strand). Cytogenetic location: 2q35.
Variant type: single nucleotide variant.
Coding change: c.593T>C on transcript NM_001927.4 (MANE Select); coding-DNA position 593, T replaced by C.
Protein change: p.Ile198Thr; replaces isoleucine 198 with threonine.
Molecular consequence: missense variant. On other transcripts: intron variant (1).
Genome position (GRCh38, 1-based): chr2:219,420,109, T>C. VCF-style: chr2-219420109-T-C. GRCh37 (hg19) VCF-style: chr2-220284831-T-C.
Other names: c.593T>C, p.Ile198Thr (NM_001382708.1, NM_001382709.1, NM_001382710.1 and 2 more transcripts); c.496-416T>C (NM_001382713.1); short protein forms I198T.
Identifiers: ClinVar variation 1416259 (VCV001416259.9), dbSNP rs773271116, ClinGen allele CA2125087.